The following is an entry in ClinVar:

ClinVar aggregate classification (germline): Likely pathogenic (1 of 4 stars; one submission).

Conditions:
Cardiovascular phenotype. Identifiers: MedGen CN230736.

Submission:

Ambry Genetics
Classification: Likely pathogenic for Cardiovascular phenotype. Last evaluated: 2025-07-30. Review status: criteria provided, single submitter. Criteria: Ambry Variant Classification Scheme 2023. Collection method: clinical testing. Allele origin: germline.
Comment: The c.50556_50557dupTA variant, located in coding exon 153 of the TTN gene, results from a duplication of TA at nucleotide position 50556, causing a translational frameshift with a predicted alternate stop codon (p.T16853Ifs*36). This exon is located in the A-band region of the N2-B isoform of the titin protein and is constitutively expressed in TTN transcripts (percent spliced in or PSI 100%). This variant is considered to be rare based on population cohorts in the Genome Aggregation Database (gnomAD). This variant is expected to result in loss of function by premature protein truncation or nonsense-mediated mRNA decay. While truncating variants in TTN are present in 1-3% of the general population, truncating variants in the A-band are the most common cause of dilated cardiomyopathy (Herman DS et al. N. Engl. J. Med., 2012 Feb;366:619-28; Roberts AM et al. Sci Transl Med, 2015 Jan;7:270ra6). TTN truncating variants encoded in constitutive exons (PSI >90%) have been found to be significantly associated with DCM regardless of their position in titin (Schafer S et al. Nat. Genet., 2017 01;49:46-53; Akhtar MM et al. Circ Heart Fail, 2020 Oct;13:e006832; Massier M et al. Clin Genet, 2025 Jan). Based on the majority of available evidence to date, this variant is likely to be pathogenic.

NM_001267550.2(TTN):c.77751_77752dup (p.Thr25918fs)

Genes: TTN (titin; minus strand), TTN-AS1 (TTN antisense RNA 1; plus strand). Cytogenetic location: 2q31.2.
Variant type: Microsatellite.
Coding change: c.77751_77752dup on transcript NM_001267550.2 (MANE Select); coding-DNA positions 77751 to 77752, 2 bases duplicated (TA; older notation c.77751_77752dupTA).
Protein change: p.Thr25918fs; shifts the reading frame from threonine 25918.
Molecular consequence: frameshift variant.
Genome position (GRCh38, 1-based): chr2:178,568,380-178,568,381, TA duplicated on the plus strand (TA on the coding strand, the reverse complement: TTN is on the minus strand); duplicating any 2 consecutive bases within chr2:178,568,380-178,568,385 gives the same sequence; the c. name uses the placement nearest the transcript's 3' end. VCF-style (leftmost placement, unchanged base first): chr2-178568379-G-GTA. GRCh37 (hg19) VCF-style: chr2-179433106-G-GTA.
Other names: c.72828_72829dup, p.Thr24277fs (NM_001256850.1); c.50556_50557dup, p.Thr16853fs (NM_003319.4); c.70047_70048dup, p.Thr23350fs (NM_133378.4); c.50931_50932dup, p.Thr16978fs (NM_133432.3); c.51132_51133dup, p.Thr17045fs (NM_133437.4); c.50556_50557dupTA (NM_003319.4); short protein forms T24277fs, T25918fs, T16853fs, T17045fs, T16978fs, T23350fs.
Identifiers: ClinVar variation 4193738 (VCV004193738.1).